The following is an entry in ClinVar:

NM_001018005.2(TPM1):c.*34G>A

Gene: TPM1 (tropomyosin 1; plus strand). Cytogenetic location: 15q22.2.
Variant type: single nucleotide variant.
Coding change: c.*34G>A on transcript NM_001018005.2 (MANE Select); 34 bases downstream of the stop codon, G replaced by A.
Molecular consequence: 3 prime UTR variant. On other transcripts: synonymous variant (5), non-coding transcript variant (6), intron variant (14).
Genome position (GRCh38, 1-based): chr15:63,065,933, G>A. VCF-style: chr15-63065933-G-A. GRCh37 (hg19) VCF-style: chr15-63358132-G-A.
Other names: c.*82G>A (NM_000366.6, NM_001365779.1, NM_001407323.1 and 1 more transcripts); c.*34G>A (NM_001301244.2, NM_001330346.2, NM_001407322.1 and 3 more transcripts); c.810G>A, p.Ser270= (NM_001365777.1, NM_001407327.1, NM_001407328.1); c.702G>A, p.Ser234= (NM_001365780.1, NM_001407342.1); c.*1787G>A (NM_001365781.2, NM_001365782.1, NM_001407333.1 and 1 more transcripts); c.898+3288G>A (NM_001365778.1); c.772+3288G>A (NM_001407336.1, NM_001018020.2, NM_001407338.1 and 5 more transcripts); c.851+1791G>A (NM_001407326.1); and 1 more.
Identifiers: ClinVar variation 3388728 (VCV003388728.14).
Genomic context (GRCh38, chr15:63,065,933, plus strand): 5'-CCCACCTTTTTATCTTCACGCAGATAAGTTTCTTTGCTTCACTTCTCCCAAGACTCCCTC[G>A]TCGAGCTGGATGTCCCACCTCTCTGAGCTCTGCATTTGTCTATTCTCCAGCTGACCCTGG-3'

ClinVar aggregate classification (germline): Likely benign (1 of 4 stars; one submission).

Submission:

CeGaT Center for Human Genetics Tuebingen
Classification: Likely benign. Last evaluated: 2024-09-01. Review status: criteria provided, single submitter. Criteria: CeGaT Center For Human Genetics Tuebingen Variant Classification Criteria Version 2. Collection method: clinical testing. Allele origin: germline. Affected: yes. Observed: 1 variant allele.
Comment: TPM1: BP4, BP7